The following is an entry in ClinVar:

NM_004329.3(BMPR1A):c.1067C>G (p.Pro356Arg)

Gene: BMPR1A (bone morphogenetic protein receptor type 1A; plus strand). Cytogenetic location: 10q23.2.
Variant type: single nucleotide variant.
Coding change: c.1067C>G on transcript NM_004329.3 (MANE Select); coding-DNA position 1067, C replaced by G.
Protein change: p.Pro356Arg; replaces proline 356 with arginine.
Molecular consequence: missense variant.
Genome position (GRCh38, 1-based): chr10:86,919,370, C>G. VCF-style: chr10-86919370-C-G. GRCh37 (hg19) VCF-style: chr10-88679127-C-G.
Other names: short protein forms P356R.
Identifiers: ClinVar variation 822100 (VCV000822100.16), dbSNP rs1589291749, ClinGen allele CA377460759.

ClinVar aggregate classification (germline): Uncertain significance. Review status: criteria provided, multiple submitters, no conflicts (2 of 4 stars). 2 submissions from 2 submitters: Uncertain significance (2). Last evaluated 2026-06-17.

Conditions:
Hereditary cancer-predisposing syndrome. Also called: Tumor predisposition; Hereditary Cancer Syndrome; Neoplastic Syndromes, Hereditary; Hereditary neoplastic syndrome. Identifiers: Orphanet 140162, MedGen C0027672, MeSH D009386, MONDO:0015356.
Juvenile polyposis syndrome (JPS). Identifiers: Orphanet 2929, MedGen C0345893, MONDO:0017380, OMIM 174900.

gnomAD v4.1: 6 of 1,613,126 alleles (0.00037%); highest among the groups gnomAD compares: Non-Finnish European, 0.00042%; no homozygotes.

Submissions (2):

Ambry Genetics
Classification: Uncertain significance for Hereditary cancer-predisposing syndrome. Last evaluated: 2026-06-17. Review status: criteria provided, single submitter. Criteria: Ambry Variant Classification Scheme 2023. Collection method: clinical testing. Allele origin: germline.
Comment: The p.P356R variant (also known as c.1067C>G), located in coding exon 8 of the BMPR1A gene, results from a C to G substitution at nucleotide position 1067. The proline at codon 356 is replaced by arginine, an amino acid with dissimilar properties. This amino acid position is highly conserved in available vertebrate species. In addition, this alteration is predicted to be deleterious by in silico analysis. Based on the available evidence, the clinical significance of this variant remains unclear.

Labcorp Genetics (formerly Invitae), Labcorp
Classification: Uncertain significance for Juvenile polyposis syndrome. Last evaluated: 2025-10-13. Review status: criteria provided, single submitter. Criteria: Invitae Variant Classification Sherloc (09022015). Collection method: clinical testing. Allele origin: germline.
Comment: This sequence change replaces proline, which is neutral and non-polar, with arginine, which is basic and polar, at codon 356 of the BMPR1A protein (p.Pro356Arg). This variant is not present in population databases (gnomAD no frequency). This variant has not been reported in the literature in individuals affected with BMPR1A-related conditions. ClinVar contains an entry for this variant (Variation ID: 822100). Invitae Evidence Modeling of protein sequence and biophysical properties (such as structural, functional, and spatial information, amino acid conservation, physicochemical variation, residue mobility, and thermodynamic stability) indicates that this missense variant is expected to disrupt BMPR1A protein function with a positive predictive value of 80%. In summary, the available evidence is currently insufficient to determine the role of this variant in disease. Therefore, it has been classified as a Variant of Uncertain Significance.